The following is an entry in ClinVar:

ClinVar aggregate classification (germline): Pathogenic (1 of 4 stars; one submission).

Conditions:
Dyskeratosis congenita, autosomal recessive 5 (DKCB5). Identifiers: MedGen C3554656, MONDO:0014076, OMIM 615190.
Pulmonary fibrosis and/or bone marrow failure, Telomere-related, 3. Also called: PULMONARY FIBROSIS AND/OR BONE MARROW FAILURE SYNDROME, TELOMERE-RELATED, 3. Identifiers: Orphanet 2032, MedGen C4225346, MONDO:0014613, OMIM 616373.

Submission:

Labcorp Genetics (formerly Invitae), Labcorp
Classification: Pathogenic for Dyskeratosis congenita, autosomal recessive 5; Pulmonary fibrosis and/or bone marrow failure, Telomere-related, 3. Last evaluated: 2023-10-22. Review status: criteria provided, single submitter. Criteria: Invitae Variant Classification Sherloc (09022015). Collection method: clinical testing. Allele origin: germline.
Comment: This sequence change creates a premature translational stop signal (p.Ser767Valfs*33) in the RTEL1 gene. It is expected to result in an absent or disrupted protein product. Loss-of-function variants in RTEL1 are known to be pathogenic (PMID: 23453664, 23959892, 25607374). This variant is not present in population databases (gnomAD no frequency). This variant has not been reported in the literature in individuals affected with RTEL1-related conditions. For these reasons, this variant has been classified as Pathogenic.

Literature cited by the submitters: PubMed 23453664; PubMed 23959892; PubMed 25607374.

NM_001283009.2(RTEL1):c.2295del (p.Ser767fs)

Genes: RTEL1 (regulator of telomere elongation helicase 1; plus strand), RTEL1-TNFRSF6B (RTEL1-TNFRSF6B readthrough (NMD candidate); plus strand). Cytogenetic location: 20q13.33.
Variant type: Deletion.
Coding change: c.2295del on transcript NM_001283009.2 (MANE Select); coding-DNA position 2295, one base deleted (A; older notation c.2295delA).
Protein change: p.Ser767fs; shifts the reading frame from serine 767.
Molecular consequence: frameshift variant. On other transcripts: non-coding transcript variant (1).
Genome position (GRCh38, 1-based): chr20:63,690,323, A deleted. VCF-style (leftmost placement, unchanged base first): chr20-63690322-CA-C. GRCh37 (hg19) VCF-style: chr20-62321675-CA-C.
Other names: c.1626del, p.Ser544fs (NM_001283010.1); c.2295del, p.Ser767fs (NM_016434.4); c.2367del, p.Ser791fs (NM_032957.5); short protein forms S767fs, S791fs, S544fs.
Identifiers: ClinVar variation 2953135 (VCV002953135.3), dbSNP rs2517140415, ClinGen allele CA2740094674.
Genomic context (GRCh38, chr20:63,690,322, plus strand): 5'-AAATGGGTCCACCCACCCCCATGGTTCTGCAGATGCCAGCGCCGGCCCCCCGGGCTACAG[CA>C]CCCAGTGTGCGTGGAGAAGATGCTGTCAGCGAGGCCAAGTCGCCTGGCCCCTTCTTCTCC-3'